The following is an entry in ClinVar:

NM_000334.4(SCN4A):c.5113T>A (p.Phe1705Ile)

Genes: SCN4A (sodium voltage-gated channel alpha subunit 4; minus strand), GH-LCR (growth hormone locus control region; plus strand). Cytogenetic location: 17q23.3.
Variant type: single nucleotide variant.
Coding change: c.5113T>A on transcript NM_000334.4 (MANE Select); coding-DNA position 5113, T replaced by A.
Protein change: p.Phe1705Ile; replaces phenylalanine 1705 with isoleucine.
Molecular consequence: missense variant.
Genome position (GRCh38, 1-based): chr17:63,941,169, A>T on the plus strand (T>A on the coding strand, the complement: SCN4A is on the minus strand). VCF-style: chr17-63941169-A-T. GRCh37 (hg19) VCF-style: chr17-62018529-A-T.
Other names: short protein forms F1705I.
Identifiers: ClinVar variation 420020 (VCV000420020.60), dbSNP rs1064794243, ClinGen allele CA16620553.

ClinVar aggregate classification (germline): Pathogenic/Likely pathogenic. Review status: criteria provided, multiple submitters, no conflicts (2 of 4 stars). 7 submissions from 7 submitters: Pathogenic (3); Likely pathogenic (4). Last evaluated 2025-12-11.

Conditions:
SCN4A-related disorder. Also called: SCN4A-related disorders.
Paramyotonia congenita of Von Eulenburg. Also called: Paramyotonia Congenita; PARALYSIS PERIODICA PARAMYOTONICA; Eulenburg disease; Myotonia congenita intermittens; Von Eulenburg paramyotonia congenita. Identifiers: Orphanet 684, MedGen C0221055, MONDO:0008195, OMIM 168300. Disease mechanism: loss of function.
Hyperkalemic periodic paralysis. Also called: Familial hyperkalemic periodic paralysis; Gamstorp disease. Identifiers: Orphanet 682, MedGen C0238357, MONDO:0008224, OMIM 170500, HP:0007215.

Submissions (7):

Labcorp Genetics (formerly Invitae), Labcorp
Classification: Pathogenic for Hyperkalemic periodic paralysis. Last evaluated: 2025-12-11. Review status: criteria provided, single submitter. Criteria: Invitae Variant Classification Sherloc (09022015). Collection method: clinical testing. Allele origin: germline.
Comment: This sequence change replaces phenylalanine, which is neutral and non-polar, with isoleucine, which is neutral and non-polar, at codon 1705 of the SCN4A protein (p.Phe1705Ile). This variant is not present in population databases (gnomAD no frequency). This missense change has been observed in individuals with clinical features of autosomal dominant paramyotonia congenita (PMID: 15774523; internal data). It has also been observed to segregate with disease in related individuals. ClinVar contains an entry for this variant (Variation ID: 420020). Invitae Evidence Modeling of protein sequence and biophysical properties (such as structural, functional, and spatial information, amino acid conservation, physicochemical variation, residue mobility, and thermodynamic stability) indicates that this missense variant is expected to disrupt SCN4A protein function with a positive predictive value of 80%. Experimental studies have shown that this missense change affects SCN4A function (PMID: 15774523, 18690054, 24324661). For these reasons, this variant has been classified as Pathogenic.

GeneDx
Classification: Likely pathogenic. Last evaluated: 2025-11-03. Review status: criteria provided, single submitter. Criteria: GeneDx Variant Classification Process June 2021. Collection method: clinical testing. Allele origin: germline. Affected: yes.
Comment: Identified in unrelated individuals with myotonia in the literature, but it is unknown whether these individuals were tested for variants in other genes associated with myotonia (PMID: 33263785, 15774523); Published functional studies demonstrate a damaging effect, as the variant impairs inactivation and alters temperature sensitivity of the voltage-gated sodium channel type IV in human embryonic kidney cells (PMID: 15774523, 24324661); In silico analysis supports that this missense variant has a deleterious effect on protein structure/function; Not observed at significant frequency in large population cohorts (gnomAD); This variant is associated with the following publications: (PMID: 18690054, 24324661, 26218606, 33325393, 22914841, 15774523, 19347921, 36779057, 33263785)

Revvity Omics, Revvity
Classification: Likely pathogenic. Last evaluated: 2025-05-28. Review status: criteria provided, single submitter. Criteria: ACMG Guidelines, 2015. Collection method: clinical testing. Allele origin: germline.

Athena Diagnostics
Classification: Pathogenic. Last evaluated: 2024-04-12. Review status: criteria provided, single submitter. Criteria: Athena Diagnostics Criteria. Collection method: clinical testing. Allele origin: unknown.
Comment: This variant has been identified in multiple unrelated individuals with clinical features associated with this gene. This variant has not been reported in large, multi-ethnic general populations. Assessment of experimental evidence suggests this variant results in abnormal protein function. Studies show this variant leads to impaired SCN4A channel activity (PMID: 15774523, 18690054, 24324661).

Blueprint Genetics
Classification: Likely pathogenic for SCN4A-related disorders. Last evaluated: 2023-12-28. Review status: criteria provided, single submitter. Criteria: ACMG Guidelines, 2015. Collection method: clinical testing. Allele origin: germline. Affected: yes. Observed: 2 variant alleles.

MGZ Medical Genetics Center
Classification: Likely pathogenic for Paramyotonia congenita of Von Eulenburg. Last evaluated: 2022-03-21. Review status: criteria provided, single submitter. Criteria: ACMG Guidelines, 2015. Collection method: clinical testing. Allele origin: germline. Affected: yes. Observed: 2 variant alleles.
Comment: ACMG criteria applied: PS3_MOD, PS4_MOD, PM2_SUP, PP3

CeGaT Center for Human Genetics Tuebingen
Classification: Pathogenic. Last evaluated: 2017-07-01. Review status: criteria provided, single submitter. Criteria: CeGaT Center For Human Genetics Tuebingen Variant Classification Criteria Version 2. Collection method: clinical testing. Allele origin: germline. Affected: yes. Observed: 1 variant allele.

Literature cited by the submitters: PubMed 15774523 (cited by Labcorp Genetics (formerly Invitae), Labcorp and Athena Diagnostics); PubMed 18690054 (cited by Labcorp Genetics (formerly Invitae), Labcorp and Athena Diagnostics); PubMed 24324661 (cited by Labcorp Genetics (formerly Invitae), Labcorp and Athena Diagnostics); PubMed 33263785 (cited by Athena Diagnostics).